The following is an entry in ClinVar:

NM_032122.5(DTNBP1):c.162G>T (p.Arg54Ser)

Gene: DTNBP1 (dystrobrevin binding protein 1; minus strand). Cytogenetic location: 6p22.3.
Variant type: single nucleotide variant.
Coding change: c.162G>T on transcript NM_032122.5 (MANE Select); coding-DNA position 162, G replaced by T.
Protein change: p.Arg54Ser; replaces arginine 54 with serine.
Molecular consequence: missense variant. On other transcripts: 5 prime UTR variant (1), synonymous variant (1), non-coding transcript variant (1).
Genome position (GRCh38, 1-based): chr6:15,637,804, C>A on the plus strand (G>T on the coding strand, the complement: DTNBP1 is on the minus strand). VCF-style: chr6-15637804-C-A. GRCh37 (hg19) VCF-style: chr6-15638035-C-A.
Other names: c.-82G>T (NM_001271667.2); c.111G>T, p.Arg37Ser (NM_001271668.2); c.57G>T, p.Gly19= (NM_001271669.2); c.162G>T, p.Arg54Ser (NM_183040.2); short protein forms R37S, R54S.
Identifiers: ClinVar variation 1516479 (VCV001516479.5), dbSNP rs77460377, ClinGen allele CA3644219.

ClinVar aggregate classification (germline): Uncertain significance (1 of 4 stars; one submission).

Allele frequency attached by ClinVar (database versions not stated): 1000 Genomes Project 30x 0.00016.
gnomAD v4.1: 134 of 1,612,390 alleles (0.0083%); highest among the groups gnomAD compares: South Asian, 0.14%; 4 homozygotes.

Submission:

Labcorp Genetics (formerly Invitae), Labcorp
Classification: Uncertain significance. Last evaluated: 2022-08-23. Review status: criteria provided, single submitter. Criteria: Invitae Variant Classification Sherloc (09022015). Collection method: clinical testing. Allele origin: germline.
Comment: This sequence change replaces arginine, which is basic and polar, with serine, which is neutral and polar, at codon 54 of the DTNBP1 protein (p.Arg54Ser). This variant is present in population databases (rs77460377, gnomAD 0.1%). This variant has not been reported in the literature in individuals affected with DTNBP1-related conditions. ClinVar contains an entry for this variant (Variation ID: 1516479). Algorithms developed to predict the effect of missense changes on protein structure and function are either unavailable or do not agree on the potential impact of this missense change (SIFT: "Deleterious"; PolyPhen-2: "Benign"; Align-GVGD: "Class C0"). Algorithms developed to predict the effect of sequence changes on RNA splicing suggest that this variant may disrupt the consensus splice site. In summary, the available evidence is currently insufficient to determine the role of this variant in disease. Therefore, it has been classified as a Variant of Uncertain Significance.